The following is an entry in ClinVar:

ClinVar aggregate classification (germline): Uncertain significance. Review status: criteria provided, multiple submitters, no conflicts (2 of 4 stars). 2 submissions from 2 submitters: Uncertain significance (2). Last evaluated 2024-11-07.

Conditions:
Fanconi anemia (FA). Also called: Fanconi's anemia. Identifiers: Orphanet 84, MedGen C0015625, MeSH D005199, MONDO:0019391.
Fanconi anemia complementation group D2. Also called: FANCONI PANCYTOPENIA, TYPE 4; FANCONI ANEMIA, COMPLEMENTATION GROUP D; FANCD2-Related Fanconi Anemia. Identifiers: Orphanet 84, MedGen C3160738, MONDO:0009214, OMIM 227646.

Submissions (2):

Labcorp Genetics (formerly Invitae), Labcorp
Classification: Uncertain significance for Fanconi anemia. Last evaluated: 2024-11-07. Review status: criteria provided, single submitter. Criteria: Invitae Variant Classification Sherloc (09022015). Collection method: clinical testing. Allele origin: germline.
Comment: This sequence change replaces alanine, which is neutral and non-polar, with serine, which is neutral and polar, at codon 540 of the FANCD2 protein (p.Ala540Ser). This variant is not present in population databases (gnomAD no frequency). This variant has not been reported in the literature in individuals affected with FANCD2-related conditions. ClinVar contains an entry for this variant (Variation ID: 857414). Invitae Evidence Modeling of protein sequence and biophysical properties (such as structural, functional, and spatial information, amino acid conservation, physicochemical variation, residue mobility, and thermodynamic stability) indicates that this missense variant is not expected to disrupt FANCD2 protein function with a negative predictive value of 80%. In summary, the available evidence is currently insufficient to determine the role of this variant in disease. Therefore, it has been classified as a Variant of Uncertain Significance.

Fulgent Genetics
Classification: Uncertain significance for Fanconi anemia complementation group D2. Last evaluated: 2024-01-14. Review status: criteria provided, single submitter. Criteria: ACMG Guidelines, 2015. Collection method: clinical testing. Allele origin: germline.

NM_001018115.3(FANCD2):c.1618G>T (p.Ala540Ser)

Genes: FANCD2 (FA complementation group D2; plus strand), LOC107303338 (3p25 FANCD2 Alu-mediated recombination region; plus strand). Cytogenetic location: 3p25.3.
Variant type: single nucleotide variant.
Coding change: c.1618G>T on transcript NM_001018115.3 (MANE Select); coding-DNA position 1618, G replaced by T.
Protein change: p.Ala540Ser; replaces alanine 540 with serine.
Molecular consequence: missense variant. On other transcripts: intron variant (1).
Genome position (GRCh38, 1-based): chr3:10,052,459, G>T. VCF-style: chr3-10052459-G-T. GRCh37 (hg19) VCF-style: chr3-10094143-G-T.
Other names: c.1618G>T, p.Ala540Ser (NM_001319984.2, NM_001374254.1, NM_033084.6); c.1545+2954G>T (NM_001374253.1); c.1618G>T (NM_033084.4); short protein forms A540S.
Identifiers: ClinVar variation 857414 (VCV000857414.8), dbSNP rs765324038, ClinGen allele CA351740374.